The following is an entry in ClinVar:

NM_182914.3(SYNE2):c.2279A>G (p.Asp760Gly)

Gene: SYNE2 (spectrin repeat containing nuclear envelope protein 2; plus strand). Cytogenetic location: 14q23.2.
Variant type: single nucleotide variant.
Coding change: c.2279A>G on transcript NM_182914.3 (MANE Select); coding-DNA position 2279, A replaced by G.
Protein change: p.Asp760Gly; replaces aspartic acid 760 with glycine.
Molecular consequence: missense variant.
Genome position (GRCh38, 1-based): chr14:63,986,583, A>G. VCF-style: chr14-63986583-A-G. GRCh37 (hg19) VCF-style: chr14-64453301-A-G.
Other names: c.2279A>G, p.Asp760Gly (NM_015180.6); short protein forms D760G.
Identifiers: ClinVar variation 652482 (VCV000652482.9), dbSNP rs1594681467, ClinGen allele CA389969995.
Genomic context (GRCh38, chr14:63,986,583, plus strand): 5'-AAAAACTCATTGGACAAGTGGAAATCTGGGAGGCAGAAGCCAAATCTGTTTTGGATCAAG[A>G]TGATGTGGACACCTCAATGGAAGAATCTTTGAAGGTATGTGTGTAAAAGTATTAAGAGGG-3'
Protein context (NP_878918.2, residues 750-770): EAEAKSVLDQ[Asp760Gly]DVDTSMEESL

ClinVar aggregate classification (germline): Uncertain significance. Review status: criteria provided, multiple submitters, no conflicts (2 of 4 stars). 2 submissions from 2 submitters: Uncertain significance (2). Last evaluated 2018-12-24.

Conditions:
Emery-Dreifuss muscular dystrophy 5, autosomal dominant (EDMD5). Also called: EMERY-DREIFUSS MUSCULAR DYSTROPHY 5. Identifiers: Orphanet 261, MedGen C2751805, MONDO:0013072, OMIM 612999.

Allele frequency attached by ClinVar (database versions not stated): gnomAD exomes below 0.00001.
gnomAD v4.1: 1 of 1,614,166 alleles (0.000062%); highest among the groups gnomAD compares: Non-Finnish European, 0.000085%; no homozygotes.

Submissions (2):

Labcorp Genetics (formerly Invitae), Labcorp
Classification: Uncertain significance for Emery-Dreifuss muscular dystrophy 5, autosomal dominant. Last evaluated: 2018-12-24. Review status: criteria provided, single submitter. Criteria: Invitae Variant Classification Sherloc (09022015). Collection method: clinical testing. Allele origin: germline.
Comment: In summary, the available evidence is currently insufficient to determine the role of this variant in disease. Therefore, it has been classified as a Variant of Uncertain Significance. Algorithms developed to predict the effect of sequence changes on RNA splicing suggest that this variant may create or strengthen a splice site, but this prediction has not been confirmed by published transcriptional studies. Algorithms developed to predict the effect of missense changes on protein structure and function output the following: SIFT: "Tolerated"; PolyPhen-2: "Benign"; Align-GVGD: "Class C0". The glycine amino acid residue is found in multiple mammalian species, suggesting that this missense change does not adversely affect protein function. These predictions have not been confirmed by published functional studies and their clinical significance is uncertain. This variant has not been reported in the literature in individuals with SYNE2-related conditions. This variant is not present in population databases (ExAC no frequency). This sequence change replaces aspartic acid with glycine at codon 760 of the SYNE2 protein (p.Asp760Gly). The aspartic acid residue is weakly conserved and there is a moderate physicochemical difference between aspartic acid and glycine.

Baylor Genetics
Classification: Uncertain significance for Emery-Dreifuss muscular dystrophy 5, autosomal dominant. Last evaluated: 2018-01-24. Review status: criteria provided, single submitter. Criteria: ACMG Guidelines, 2015. Collection method: clinical testing. Allele origin: unknown. Affected: yes.
Comment: This variant was determined to be of uncertain significance according to ACMG Guidelines, 2015 [PMID:25741868].